The following is an entry in ClinVar:

ClinVar aggregate classification (germline): Uncertain significance (1 of 4 stars; one submission).

Conditions:
Neuropathy, hereditary sensory and autonomic, type 1C. Also called: HSAN IC; HSN IC. Identifiers: Orphanet 36386, MedGen C3150896, MONDO:0013337, OMIM 613640.

Submission:

Labcorp Genetics (formerly Invitae), Labcorp
Classification: Uncertain significance for Neuropathy, hereditary sensory and autonomic, type 1C. Last evaluated: 2023-09-06. Review status: criteria provided, single submitter. Criteria: Invitae Variant Classification Sherloc (09022015). Collection method: clinical testing. Allele origin: germline.
Comment: In summary, the available evidence is currently insufficient to determine the role of this variant in disease. Therefore, it has been classified as a Variant of Uncertain Significance. Advanced modeling of protein sequence and biophysical properties (such as structural, functional, and spatial information, amino acid conservation, physicochemical variation, residue mobility, and thermodynamic stability) performed at Invitae indicates that this missense variant is not expected to disrupt SPTLC2 protein function. This variant has not been reported in the literature in individuals affected with SPTLC2-related conditions. This variant is not present in population databases (gnomAD no frequency). This sequence change replaces glycine, which is neutral and non-polar, with valine, which is neutral and non-polar, at codon 483 of the SPTLC2 protein (p.Gly483Val).

NM_004863.4(SPTLC2):c.1448G>T (p.Gly483Val)

Gene: SPTLC2 (serine palmitoyltransferase long chain base subunit 2; minus strand). Cytogenetic location: 14q24.3.
Variant type: single nucleotide variant.
Coding change: c.1448G>T on transcript NM_004863.4 (MANE Select); coding-DNA position 1448, G replaced by T.
Protein change: p.Gly483Val; replaces glycine 483 with valine.
Molecular consequence: missense variant.
Genome position (GRCh38, 1-based): chr14:77,518,159, C>A on the plus strand (G>T on the coding strand, the complement: SPTLC2 is on the minus strand). VCF-style: chr14-77518159-C-A. GRCh37 (hg19) VCF-style: chr14-77984502-C-A.
Other names: short protein forms G483V.
Identifiers: ClinVar variation 2758383 (VCV002758383.3), dbSNP rs2503443357, ClinGen allele CA390700144.